The following is an entry in ClinVar:

NM_004304.5(ALK):c.344C>G (p.Pro115Arg)

Gene: ALK (ALK receptor tyrosine kinase; minus strand). Cytogenetic location: 2p23.1.
Variant type: single nucleotide variant.
Coding change: c.344C>G on transcript NM_004304.5 (MANE Select); coding-DNA position 344, C replaced by G.
Protein change: p.Pro115Arg; replaces proline 115 with arginine.
Molecular consequence: missense variant.
Genome position (GRCh38, 1-based): chr2:29,920,316, G>C on the plus strand (C>G on the coding strand, the complement: ALK is on the minus strand). VCF-style: chr2-29920316-G-C. GRCh37 (hg19) VCF-style: chr2-30143182-G-C.
Other names: c.344C>G (NM_004304.4); short protein forms P115R.
Identifiers: ClinVar variation 1016481 (VCV001016481.9), dbSNP rs1222939884, ClinGen allele CA346590222.

ClinVar aggregate classification (germline): Uncertain significance. Review status: criteria provided, multiple submitters, no conflicts (2 of 4 stars). 2 submissions from 2 submitters: Uncertain significance (2). Last evaluated 2023-11-10.

Conditions:
Neuroblastoma, susceptibility to, 3. Also called: ALK-Related Neuroblastic Tumor Susceptibility. Identifiers: Orphanet 635, MedGen C2751681, MONDO:0013083, OMIM 613014.
Hereditary cancer-predisposing syndrome. Also called: Tumor predisposition; Hereditary Cancer Syndrome; Neoplastic Syndromes, Hereditary; Hereditary neoplastic syndrome. Identifiers: Orphanet 140162, MedGen C0027672, MeSH D009386, MONDO:0015356.

Submissions (2):

Ambry Genetics
Classification: Uncertain significance for Hereditary cancer-predisposing syndrome. Last evaluated: 2023-11-10. Review status: criteria provided, single submitter. Criteria: Ambry Variant Classification Scheme 2023. Collection method: clinical testing. Allele origin: germline.
Comment: The p.P115R variant (also known as c.344C>G), located in coding exon 1 of the ALK gene, results from a C to G substitution at nucleotide position 344. The proline at codon 115 is replaced by arginine, an amino acid with dissimilar properties. This amino acid position is conserved. In addition, this alteration is predicted to be tolerated by in silico analysis. Since supporting evidence is limited at this time, the clinical significance of this alteration remains unclear.

Labcorp Genetics (formerly Invitae), Labcorp
Classification: Uncertain significance for Neuroblastoma, susceptibility to, 3. Last evaluated: 2020-09-09. Review status: criteria provided, single submitter. Criteria: Invitae Variant Classification Sherloc (09022015). Collection method: clinical testing. Allele origin: germline.
Comment: Algorithms developed to predict the effect of missense changes on protein structure and function are either unavailable or do not agree on the potential impact of this missense change (SIFT: "Deleterious"; PolyPhen-2: "Benign"; Align-GVGD: "Class C0"). In summary, the available evidence is currently insufficient to determine the role of this variant in disease. Therefore, it has been classified as a Variant of Uncertain Significance. This sequence change replaces proline with arginine at codon 115 of the ALK protein (p.Pro115Arg). The proline residue is moderately conserved and there is a moderate physicochemical difference between proline and arginine. The frequency data for this variant in the population databases is considered unreliable, as metrics indicate insufficient coverage at this position in the ExAC database. This variant has not been reported in the literature in individuals with ALK-related conditions.